The following is an entry in ClinVar:

ClinVar aggregate classification (germline): Uncertain significance (1 of 4 stars; one submission).

Conditions:
Sulfite oxidase deficiency. Also called: Isolated sulfite oxidase deficiency. Identifiers: Orphanet 833, Orphanet 99731, MedGen C0268624, MONDO:0010089, OMIM 272300, HP:0003643.

Submission:

Labcorp Genetics (formerly Invitae), Labcorp
Classification: Uncertain significance for Sulfite oxidase deficiency. Last evaluated: 2021-09-15. Review status: criteria provided, single submitter. Criteria: Invitae Variant Classification Sherloc (09022015). Collection method: clinical testing. Allele origin: germline.
Comment: In summary, the available evidence is currently insufficient to determine the role of this variant in disease. Therefore, it has been classified as a Variant of Uncertain Significance. Algorithms developed to predict the effect of missense changes on protein structure and function output the following: SIFT: "Tolerated"; PolyPhen-2: "Benign"; Align-GVGD: "Class C0". The arginine amino acid residue is found in multiple mammalian species, which suggests that this missense change does not adversely affect protein function. This variant has not been reported in the literature in individuals affected with SUOX-related conditions. This variant is not present in population databases (ExAC no frequency). This sequence change replaces glycine with arginine at codon 54 of the SUOX protein (p.Gly54Arg). The glycine residue is moderately conserved and there is a moderate physicochemical difference between glycine and arginine.

NM_001032386.2(SUOX):c.160G>A (p.Gly54Arg)

Gene: SUOX (sulfite oxidase; plus strand). Cytogenetic location: 12q13.2.
Variant type: single nucleotide variant.
Coding change: c.160G>A on transcript NM_001032386.2 (MANE Select); coding-DNA position 160, G replaced by A.
Protein change: p.Gly54Arg; replaces glycine 54 with arginine.
Molecular consequence: missense variant.
Genome position (GRCh38, 1-based): chr12:56,002,652, G>A. VCF-style: chr12-56002652-G-A. GRCh37 (hg19) VCF-style: chr12-56396436-G-A.
Other names: c.160G>A, p.Gly54Arg (NM_000456.3, NM_001032387.2); short protein forms G54R.
Identifiers: ClinVar variation 1398673 (VCV001398673.7), dbSNP rs2136509767, ClinGen allele CA385279633.